The following is an entry in ClinVar:

NM_032436.4(CHAMP1):c.1850dup (p.Lys618fs)

Gene: CHAMP1 (chromosome alignment maintaining phosphoprotein 1; plus strand). Cytogenetic location: 13q34.
Variant type: Duplication.
Coding change: c.1850dup on transcript NM_032436.4 (MANE Select); coding-DNA position 1850, one base duplicated (A; older notation c.1850dupA).
Protein change: p.Lys618fs; shifts the reading frame from lysine 618.
Molecular consequence: frameshift variant.
Genome position (GRCh38, 1-based): chr13:114,325,692, A duplicated; the last of 3 consecutive A bases (chr13:114,325,690-114,325,692); duplicating any one gives the same sequence. VCF-style (leftmost placement, unchanged base first): chr13-114325689-C-CA. GRCh37 (hg19) VCF-style: chr13-115091164-C-CA.
Other names: c.1850dup, p.Lys618fs (NM_001164144.3, NM_001164145.3); short protein forms K618fs.
Identifiers: ClinVar variation 280855 (VCV000280855.4), dbSNP rs886041988, ClinGen allele CA10603183.
Genomic context (GRCh38, chr13:114,325,689, plus strand): 5'-TTCAGGAAGAACTTCTAGCTTCACCTAAGAAACTCTTAGAAGATACTTTATTTCCTTCCT[C>CA]AAAGAAGCTCAAGAAAGACAACCAAGAGAGCTCAGACGCTGAGCTTAGTAGTAGTGAGTA-3'

ClinVar aggregate classification (germline): Pathogenic (1 of 4 stars; one submission).

Conditions:
CHAMP1-related syndrome.

Submission:

GeneDx
Classification: Pathogenic. Last evaluated: 2016-09-20. Review status: criteria provided, single submitter. Criteria: GeneDx Variant Classification (06012015). Collection method: clinical testing. Allele origin: germline. Affected: yes.
Comment: The c.1850dupA pathogenic variant in the CHAMP1 gene has not been reported previously as a pathogenic variant nor as a benign variant, to our knowledge. The c.1850dupA variant causes a frameshift starting with codon Lysine 618, changes this amino acid to a Glutamic acid residue, and creates a premature Stop codon at position 13 of the new reading frame, denoted p.Lys618GlufsX13. This variant is predicted to cause loss of normal protein function through protein truncation. The c.1850dupA variant was not observed in approximately 6500 individuals of European and African American ancestry in the NHLBI Exome Sequencing Project, indicating it is not a common benign variant in these populations. We interpret c.1850dupA as a pathogenic variant.